The following is an entry in ClinVar:

ClinVar aggregate classification (germline): Uncertain significance. Review status: criteria provided, multiple submitters, no conflicts (2 of 4 stars). 8 submissions from 4 submitters: Uncertain significance (8). Last evaluated 2026-03-31.

Conditions:
Myopathy, myofibrillar, 9, with early respiratory failure (MFM9). Also called: Myopathy, distal, with early respiratory failure, autosomal dominant; Hereditary myopathy with early respiratory failure; EDSTROM MYOPATHY; MYOPATHY, PROXIMAL, WITH EARLY RESPIRATORY MUSCLE INVOLVEMENT. Identifiers: Orphanet 178464, Orphanet 34521, MedGen C1863599, MONDO:0011362, OMIM 603689.
TTN-related disorder. Also called: TTN-related condition; TTN-related disease; TTN-related disorders.
Hypertrophic cardiomyopathy 9. Also called: Familial hypertrophic cardiomyopathy 9. Identifiers: MedGen C1861065, MONDO:0013412, OMIM 613765.
Early-onset myopathy with fatal cardiomyopathy (CMYO5). Also called: CONGENITAL MYOPATHY 5 WITH CARDIOMYOPATHY; Salih Myopathy. Identifiers: Orphanet 289377, MedGen C2673677, MONDO:0012714, OMIM 611705. Disease mechanism: loss of function.
Dilated cardiomyopathy 1G (CMD1G). Identifiers: Orphanet 154, MedGen C1858763, MONDO:0011400, OMIM 604145.
Tibial muscular dystrophy (TMD). Also called: UDD MYOPATHY; Udd Distal Myopathy – Tibial Muscular Dystrophy; Tibial muscular dystrophy, tardive. Identifiers: Orphanet 609, MedGen C1838244, MONDO:0010870, OMIM 600334.
Autosomal recessive limb-girdle muscular dystrophy type 2J (LGMDR10). Also called: MUSCULAR DYSTROPHY, LIMB-GIRDLE, AUTOSOMAL RECESSIVE 10; Limb-girdle muscular dystrophy, type 2J. Identifiers: Orphanet 140922, MedGen C1837342, MONDO:0012127, OMIM 608807.

Allele frequency attached by ClinVar (database versions not stated): gnomAD exomes below 0.00001; gnomAD 0.00001 and 0.00002; TOPMed 0.00002.
gnomAD v4.1: 18 of 1,613,558 alleles (0.0011%); highest among the groups gnomAD compares: Admixed American, 0.0033%; no homozygotes.

Submissions (8):

PreventionGenetics, part of Exact Sciences
Classification: Uncertain significance for TTN-related condition. Last evaluated: 2026-03-31. Review status: criteria provided, single submitter. Criteria: ACMG Guidelines, 2015. Collection method: clinical testing. Allele origin: germline.
Comment: The TTN c.98803G>A variant is predicted to result in the amino acid substitution p.Glu32935Lys. To our knowledge, this variant has not been reported in the literature. This variant is reported in 0.00089% of alleles in individuals of European (Non-Finnish) descent in gnomAD. At this time, the clinical significance of this variant is uncertain due to the absence of conclusive functional and genetic evidence.

Revvity Omics, Revvity
Classification: Uncertain significance. Last evaluated: 2023-11-28. Review status: criteria provided, single submitter. Criteria: ACMG Guidelines, 2015. Collection method: clinical testing. Allele origin: germline.

Fulgent Genetics
Classification: Uncertain significance for Tibial muscular dystrophy; Myopathy, myofibrillar, 9, with early respiratory failure; Dilated cardiomyopathy 1G; Autosomal recessive limb-girdle muscular dystrophy type 2J; Early-onset myopathy with fatal cardiomyopathy; Hypertrophic cardiomyopathy 9. Last evaluated: 2021-09-24. Review status: criteria provided, single submitter. Criteria: ACMG Guidelines, 2015. Collection method: clinical testing. Allele origin: unknown.

Illumina Laboratory Services, Illumina
Classification: Uncertain significance for Myopathy, myofibrillar, 9, with early respiratory failure. Last evaluated: 2018-01-13. Review status: criteria provided, single submitter. Criteria: ICSL Variant Classification Criteria 13 December 2019. Collection method: clinical testing. Allele origin: germline.

Illumina Laboratory Services, Illumina
Classification: Uncertain significance for Dilated cardiomyopathy 1G. Last evaluated: 2018-01-13. Review status: criteria provided, single submitter. Criteria: ICSL Variant Classification Criteria 13 December 2019. Collection method: clinical testing. Allele origin: germline.

Illumina Laboratory Services, Illumina
Classification: Uncertain significance for Early-onset myopathy with fatal cardiomyopathy. Last evaluated: 2018-01-13. Review status: criteria provided, single submitter. Criteria: ICSL Variant Classification Criteria 13 December 2019. Collection method: clinical testing. Allele origin: germline.

Illumina Laboratory Services, Illumina
Classification: Uncertain significance for Autosomal recessive limb-girdle muscular dystrophy type 2J. Last evaluated: 2018-01-13. Review status: criteria provided, single submitter. Criteria: ICSL Variant Classification Criteria 13 December 2019. Collection method: clinical testing. Allele origin: germline.

Illumina Laboratory Services, Illumina
Classification: Uncertain significance for Tibial muscular dystrophy. Last evaluated: 2018-01-13. Review status: criteria provided, single submitter. Criteria: ICSL Variant Classification Criteria 13 December 2019. Collection method: clinical testing. Allele origin: germline.

NM_001267550.2(TTN):c.98803G>A (p.Glu32935Lys)

Genes: TTN (titin; minus strand), TTN-AS1 (TTN antisense RNA 1; plus strand). Cytogenetic location: 2q31.2.
Variant type: single nucleotide variant.
Coding change: c.98803G>A on transcript NM_001267550.2 (MANE Select); coding-DNA position 98803, G replaced by A.
Protein change: p.Glu32935Lys; replaces glutamic acid 32935 with lysine.
Molecular consequence: missense variant. On other transcripts: non-coding transcript variant (1).
Genome position (GRCh38, 1-based): chr2:178,539,132, C>T on the plus strand (G>A on the coding strand, the complement: TTN is on the minus strand). VCF-style: chr2-178539132-C-T. GRCh37 (hg19) VCF-style: chr2-179403859-C-T.
Other names: c.93880G>A, p.Glu31294Lys (NM_001256850.1); c.71608G>A, p.Glu23870Lys (NM_003319.4); c.91099G>A, p.Glu30367Lys (NM_133378.4); c.71983G>A, p.Glu23995Lys (NM_133432.3); c.72184G>A, p.Glu24062Lys (NM_133437.4); short protein forms E23870K, E24062K, E23995K, E32935K, E31294K, E30367K.
Identifiers: ClinVar variation 893626 (VCV000893626.7), dbSNP rs1407053984, ClinGen allele CA349431603.